The following is an entry in ClinVar:

NM_007294.4(BRCA1):c.5146T>C (p.Tyr1716His)

Gene: BRCA1 (BRCA1 DNA repair associated; minus strand). Cytogenetic location: 17q21.31.
Variant type: single nucleotide variant.
Coding change: c.5146T>C on transcript NM_007294.4 (MANE Select); coding-DNA position 5146, T replaced by C.
Protein change: p.Tyr1716His; replaces tyrosine 1716 with histidine.
Molecular consequence: missense variant. On other transcripts: non-coding transcript variant (1).
Genome position (GRCh38, 1-based): chr17:43,063,880, A>G on the plus strand (T>C on the coding strand, the complement: BRCA1 is on the minus strand). VCF-style: chr17-43063880-A-G. GRCh37 (hg19) VCF-style: chr17-41215897-A-G.
Other names: c.4933T>C, p.Tyr1645His (NM_001407571.1, NM_001407894.1, NM_001407895.1 and 12 more transcripts); c.5212T>C, p.Tyr1738His (NM_001407581.1, NM_001407582.1); c.5209T>C, p.Tyr1737His (NM_001407583.1, NM_001407585.1, NM_001407587.1 and 1 more transcripts); c.5206T>C, p.Tyr1736His (NM_001407590.1, NM_001407591.1); c.5146T>C, p.Tyr1716His (NM_001407593.1, NM_001407594.1, NM_001407596.1 and 7 more transcripts); c.5143T>C, p.Tyr1715His (NM_001407617.1, NM_001407618.1, NM_001407619.1 and 17 more transcripts); c.5140T>C, p.Tyr1714His (NM_001407636.1, NM_001407637.1, NM_001407638.1 and 14 more transcripts); c.5137T>C, p.Tyr1713His (NM_001407644.1, NM_001407645.1); and 71 more; short protein forms Y1669H, Y1737H, Y612H, Y1716H, Y1420H, Y1588H, Y1626H, Y1628H.
Identifiers: ClinVar variation 825476 (VCV000825476.10), dbSNP rs1597819932, ClinGen allele CA10591254.
Genomic context (GRCh38, chr17:43,063,880, plus strand): 5'-AAATGCAATTCTGAGGTGTTAAAGGGAGGAGGGGAGAAATAGTATTATACTTACAGAAAT[A>G]GCTAACTACCCATTTTCCTCCCGCAATTCCTAGAAAATATTTCAGTGTCCGTTCACACAC-3'
Protein context (NP_009225.1, residues 1706-1726): GIAGGKWVVS[Tyr1716His]FWVTQSIKER

ClinVar aggregate classification (germline): Uncertain significance. Review status: criteria provided, multiple submitters, no conflicts (2 of 4 stars). 2 submissions from 2 submitters: Uncertain significance (2). Last evaluated 2024-05-01.

Conditions:
Hereditary cancer-predisposing syndrome. Also called: Hereditary Cancer Syndrome; Hereditary neoplastic syndrome; Neoplastic Syndromes, Hereditary; Tumor predisposition. Identifiers: Orphanet 140162, MedGen C0027672, MeSH D009386, MONDO:0015356.
Hereditary breast ovarian cancer syndrome. Also called: BRCA1- and BRCA2-Associated Hereditary Breast and Ovarian Cancer; Hereditary breast and ovarian cancer syndrome (HBOC); Hereditary breast and ovarian cancer syndrome; Breast and ovarian cancer; Hereditary breast and ovarian cancer; Hereditary breast and/or ovarian cancer syndrome. Identifiers: Orphanet 145, MedGen C0677776, MeSH D061325, MONDO:0003582. Disease mechanism: loss of function.

Submissions (3):

Labcorp Genetics (formerly Invitae), Labcorp
Classification: Uncertain significance for Hereditary breast ovarian cancer syndrome. Last evaluated: 2024-05-01. Review status: criteria provided, single submitter. Criteria: Invitae Variant Classification Sherloc (09022015). Collection method: clinical testing. Allele origin: germline.
Comment: This sequence change replaces tyrosine, which is neutral and polar, with histidine, which is basic and polar, at codon 1716 of the BRCA1 protein (p.Tyr1716His). This variant is not present in population databases (gnomAD no frequency). This variant has not been reported in the literature in individuals affected with BRCA1-related conditions. ClinVar contains an entry for this variant (Variation ID: 825476). Advanced modeling performed at Invitae incorporating data from internal and/or published experimental studies (PMID: 30209399) indicates that this missense variant is not expected to disrupt BRCA1 function with a negative predictive value of 95%. In summary, the available evidence is currently insufficient to determine the role of this variant in disease. Therefore, it has been classified as a Variant of Uncertain Significance.

Ambry Genetics
Classification: Uncertain significance for Hereditary cancer-predisposing syndrome. Last evaluated: 2019-04-10. Review status: criteria provided, single submitter. Criteria: Ambry Variant Classification Scheme 2023. Collection method: clinical testing. Allele origin: germline.
Comment: The p.Y1716H variant (also known as c.5146T>C), located in coding exon 16 of the BRCA1 gene, results from a T to C substitution at nucleotide position 5146. The tyrosine at codon 1716 is replaced by histidine, an amino acid with similar properties. One functional study found that this nucleotide substitution is tolerated in a high throughput genome editing haploid cell survival assay (Findlay GM et al. Nature, 2018 10;562:217-222). This amino acid position is well conserved in available vertebrate species. In addition, the in silico prediction for this alteration is inconclusive. Since supporting evidence is limited at this time, the clinical significance of this alteration remains unclear.

Brotman Baty Institute, University of Washington
No classification provided (evidence only). Condition: Breast-ovarian cancer, familial 1. Review status: no classification provided. Collection method: in vitro. Allele origin: not applicable. Functional consequence: functionally_normal. Not counted in ClinVar's aggregate classification.
ClinVar note: "not provided" was previously submitted as the classification for the variant. However, the classification appeared to be based only on an observation of functional data so it was converted to no classification on 2025-07-30.

Literature cited by the submitters: PubMed 30209399 (cited by Labcorp Genetics (formerly Invitae), Labcorp and Ambry Genetics).